The following is an entry in ClinVar:

NM_022124.6(CDH23):c.9644T>G (p.Leu3215Arg)

Gene: CDH23 (cadherin related 23; plus strand). Cytogenetic location: 10q22.1.
Variant type: single nucleotide variant.
Coding change: c.9644T>G on transcript NM_022124.6 (MANE Select); coding-DNA position 9644, T replaced by G.
Protein change: p.Leu3215Arg; replaces leucine 3215 with arginine.
Molecular consequence: missense variant. On other transcripts: intron variant (2).
Genome position (GRCh38, 1-based): chr10:71,813,254, T>G. VCF-style: chr10-71813254-T-G. GRCh37 (hg19) VCF-style: chr10-73573011-T-G.
Other names: c.2924T>G, p.Leu975Arg (NM_001171933.1); c.335T>G, p.Leu112Arg (NM_001171935.1); c.2913+364T>G (NM_001171934.1); c.324+364T>G (NM_001171936.1); short protein forms L112R, L3215R, L975R.
Identifiers: ClinVar variation 1995768 (VCV001995768.4), dbSNP rs1391685463, ClinGen allele CA377137220.
Genomic context (GRCh38, chr10:71,813,254, plus strand): 5'-GGGCAGGCAGGGGAGGGCCTTGGTGGGGGTTAACCCTTTCCCTCCCCCAGGGCTCGCTGC[T>G]GAAGGTGGTCCTGGAGGATTACCTGCGGCTCAAAAAGCTCTTTGCACAGCGGATGGTGCA-3'
Protein context (NP_071407.4, residues 3205-3225): IREGPIKGSL[Leu3215Arg]KVVLEDYLRL

ClinVar aggregate classification (germline): Uncertain significance (1 of 4 stars; one submission).

Submission:

Labcorp Genetics (formerly Invitae), Labcorp
Classification: Uncertain significance. Last evaluated: 2022-05-17. Review status: criteria provided, single submitter. Criteria: Invitae Variant Classification Sherloc (09022015). Collection method: clinical testing. Allele origin: germline.
Comment: In summary, the available evidence is currently insufficient to determine the role of this variant in disease. Therefore, it has been classified as a Variant of Uncertain Significance. Algorithms developed to predict the effect of missense changes on protein structure and function are either unavailable or do not agree on the potential impact of this missense change (SIFT: "Deleterious"; PolyPhen-2: "Not Available"; Align-GVGD: "Class C0"). This variant has not been reported in the literature in individuals affected with CDH23-related conditions. This variant is not present in population databases (gnomAD no frequency). This sequence change replaces leucine, which is neutral and non-polar, with arginine, which is basic and polar, at codon 3215 of the CDH23 protein (p.Leu3215Arg).